The following is an entry in ClinVar:

NM_024577.4(SH3TC2):c.3328-315G>A

Gene: SH3TC2 (SH3 domain and tetratricopeptide repeats 2; minus strand). Cytogenetic location: 5q32.
Variant type: single nucleotide variant.
Coding change: c.3328-315G>A on transcript NM_024577.4 (MANE Select); 315 bases into the intron before coding-DNA position 3328, G replaced by A.
Molecular consequence: intron variant.
Genome position (GRCh38, 1-based): chr5:149,009,316, C>T on the plus strand (G>A on the coding strand, the complement: SH3TC2 is on the minus strand). VCF-style: chr5-149009316-C-T. GRCh37 (hg19) VCF-style: chr5-148388879-C-T.
Identifiers: ClinVar variation 684364 (VCV000684364.1), dbSNP rs1036191, ClinGen allele CA11984453.
Genomic context (GRCh38, chr5:149,009,316, plus strand): 5'-GGAAAGGGAAGCGGCTTTTCCCAAGGTCACGTGGAAAGTCGTTCCCTTCTCAGCTGTGTG[C>T]TCCCCTAGCATCCATGGTGCTATCTATGAAGCACACATGAGTACACGCATAGTGTGGGAA-3'

ClinVar aggregate classification (germline): Benign (1 of 4 stars; one submission).

Allele frequency attached by ClinVar (database versions not stated): 1000 Genomes Project 30x 0.37071; 1000 Genomes Project 0.37200; TOPMed 0.38358; gnomAD 0.39857 and 0.39980.
gnomAD v4.1: 60,596 of 152,002 alleles (40%); highest among the groups gnomAD compares: South Asian, 46%; 12,316 homozygotes.

Submission:

GeneDx
Classification: Benign. Last evaluated: 2018-06-20. Review status: criteria provided, single submitter. Criteria: GeneDx Variant Classification (06012015). Collection method: clinical testing. Allele origin: germline. Affected: yes.
Comment: This variant is considered likely benign or benign based on one or more of the following criteria: it is a conservative change, it occurs at a poorly conserved position in the protein, it is predicted to be benign by multiple in silico algorithms, and/or has population frequency not consistent with disease.